The following is an entry in ClinVar:

ClinVar aggregate classification (germline): Benign (1 of 4 stars; one submission).

Conditions:
Intellectual developmental disorder, X-linked 72. Also called: Intellectual disability, X-linked 72. Identifiers: Orphanet 777, MedGen C1846038, MONDO:0010289, OMIM 300271.

Allele frequency attached by ClinVar (database versions not stated): gnomAD 0.00335 and 0.00340; 1000 Genomes Project 30x 0.00624; TOPMed 0.00656; 1000 Genomes Project 0.00530.

Submission:

Illumina Laboratory Services, Illumina
Classification: Benign for Intellectual developmental disorder, X-linked 72. Last evaluated: 2018-01-13. Review status: criteria provided, single submitter. Criteria: ICSL Variant Classification Criteria 13 December 2019. Collection method: clinical testing. Allele origin: germline.
Comment: This variant was observed in the ICSL laboratory as part of a predisposition screen in an ostensibly healthy population. It had not been previously curated by ICSL or reported in the Human Gene Mutation Database (HGMD: prior to June 1st, 2018), and was therefore a candidate for classification through an automated scoring system. Utilizing variant allele frequency, disease prevalence and penetrance estimates, and inheritance mode, an automated score was calculated to assess if this variant is too frequent to cause the disease. Based on the score and internal cut-off values, a variant classified as benign is not then subjected to further curation. The score for this variant resulted in a classification of benign for this disease.

NM_171998.4(RAB39B):c.*1040C>T

Gene: RAB39B (RAB39B, member RAS oncogene family; minus strand). Cytogenetic location: Xq28.
Variant type: single nucleotide variant.
Coding change: c.*1040C>T on transcript NM_171998.4 (MANE Select); 1040 bases downstream of the stop codon, C replaced by T.
Molecular consequence: 3 prime UTR variant.
Genome position (GRCh38, 1-based): chrX:155,259,763, G>A on the plus strand (C>T on the coding strand, the complement: RAB39B is on the minus strand). VCF-style: chrX-155259763-G-A. GRCh37 (hg19) VCF-style: chrX-154489048-G-A.
Identifiers: ClinVar variation 368139 (VCV000368139.5), dbSNP rs185958813, ClinGen allele CA10651788.
Genomic context (GRCh38, chrX:155,259,763, plus strand): 5'-GTAAACAAATTCATAATCATTTATTCATCTGACAGCAGTATGATGCAGTGAAAAGAGCTA[G>A]GAGTCACGAGTCCTTGACCCTGGCCAAGTGATTTTCATGGCTCTTAGTTTACTATTCTGT-3'